The following is an entry in ClinVar:

NM_003002.4(SDHD):c.271A>G (p.Met91Val)

Gene: SDHD (succinate dehydrogenase complex subunit D; plus strand). Cytogenetic location: 11q23.1.
Variant type: single nucleotide variant.
Coding change: c.271A>G on transcript NM_003002.4 (MANE Select); coding-DNA position 271, A replaced by G.
Protein change: p.Met91Val; replaces methionine 91 with valine.
Molecular consequence: missense variant. On other transcripts: non-coding transcript variant (1), intron variant (1).
Genome position (GRCh38, 1-based): chr11:112,088,968, A>G. VCF-style: chr11-112088968-A-G. GRCh37 (hg19) VCF-style: chr11-111959692-A-G.
Other names: c.154A>G, p.Met52Val (NM_001276504.2); c.271A>G, p.Met91Val (NM_001276506.2); c.169+995A>G (NM_001276503.2); short protein forms M52V, M91V.
Identifiers: ClinVar variation 3763515 (VCV003763515.2).
Genomic context (GRCh38, chr11:112,088,968, plus strand): 5'-GTTGTCAGTGTTTTGCTCCTGGGTCTGCTTCCGGCTGCTTATTTGAATCCTTGCTCTGCG[A>G]TGGACTATTCCCTGGCTGCAGCCCTCACTCTTCATGGTCACTGGCAAGTATAGCAATTCC-3'
Protein context (NP_002993.1, residues 81-101): PAAYLNPCSA[Met91Val]DYSLAAALTL

ClinVar aggregate classification (germline): Uncertain significance (1 of 4 stars; one submission).

Conditions:
Pheochromocytoma. Also called: MAX-Related Hereditary Paraganglioma-Pheochromocytoma Syndrome. Identifiers: Orphanet 29072, MedGen C0031511, MONDO:0008233, OMIM 171300, HP:0002666.
Cowden syndrome 3 (CWS3). Identifiers: Orphanet 201, MedGen CN166604, MONDO:0014045.
Carney-Stratakis syndrome. Also called: PARAGANGLIOMA AND GASTROINTESTINAL STROMAL TUMOR. Identifiers: Orphanet 97286, MedGen C1847319, MONDO:0011740, OMIM 606864.
Paragangliomas with sensorineural hearing loss. Identifiers: MedGen C1868633.

Submission:

Labcorp Genetics (formerly Invitae), Labcorp
Classification: Uncertain significance for Carney-Stratakis syndrome; Paragangliomas with sensorineural hearing loss; Pheochromocytoma; Cowden syndrome 3. Last evaluated: 2024-10-22. Review status: criteria provided, single submitter. Criteria: Invitae Variant Classification Sherloc (09022015). Collection method: clinical testing. Allele origin: germline.
Comment: This sequence change replaces methionine, which is neutral and non-polar, with valine, which is neutral and non-polar, at codon 91 of the SDHD protein (p.Met91Val). This variant is not present in population databases (gnomAD no frequency). This variant has not been reported in the literature in individuals affected with SDHD-related conditions. Invitae Evidence Modeling of protein sequence and biophysical properties (such as structural, functional, and spatial information, amino acid conservation, physicochemical variation, residue mobility, and thermodynamic stability) indicates that this missense variant is not expected to disrupt SDHD protein function with a negative predictive value of 95%. In summary, the available evidence is currently insufficient to determine the role of this variant in disease. Therefore, it has been classified as a Variant of Uncertain Significance.